The following is an entry in ClinVar:

NM_007294.4(BRCA1):c.2775C>T (p.Ile925=)

Gene: BRCA1 (BRCA1 DNA repair associated; minus strand). Cytogenetic location: 17q21.31.
Variant type: single nucleotide variant.
Coding change: c.2775C>T on transcript NM_007294.4 (MANE Select); coding-DNA position 2775, C replaced by T.
Protein change: p.Ile925=; no amino-acid change (isoleucine 925 retained).
Molecular consequence: synonymous variant. On other transcripts: intron variant (137).
Genome position (GRCh38, 1-based): chr17:43,092,756, G>A on the plus strand (C>T on the coding strand, the complement: BRCA1 is on the minus strand). VCF-style: chr17-43092756-G-A. GRCh37 (hg19) VCF-style: chr17-41244773-G-A.
Other names: c.2562C>T, p.Ile854= (NM_001407571.1, NM_001407853.1, NM_001407894.1 and 9 more transcripts); c.2775C>T, p.Ile925= (NM_001407581.1, NM_001407582.1, NM_001407583.1 and 30 more transcripts); c.2772C>T, p.Ile924= (NM_001407587.1, NM_001407590.1, NM_001407591.1 and 22 more transcripts); c.2766C>T, p.Ile922= (NM_001407646.1, NM_001407647.1); c.2652C>T, p.Ile884= (NM_001407648.1, NM_001407664.1, NM_001407665.1 and 19 more transcripts); c.2649C>T, p.Ile883= (NM_001407649.1, NM_001407670.1, NM_001407671.1 and 11 more transcripts); c.2697C>T, p.Ile899= (NM_001407653.1, NM_001407654.1, NM_001407655.1 and 4 more transcripts); c.2694C>T, p.Ile898= (NM_001407659.1, NM_001407660.1, NM_001407661.1 and 1 more transcripts); and 41 more.
Identifiers: ClinVar variation 183839 (VCV000183839.26), dbSNP rs786201104, ClinGen allele CA001828.

ClinVar aggregate classification (germline): Likely benign. Review status: reviewed by expert panel (3 of 4 stars). 9 submissions from 9 submitters: Likely benign (1). 8 of the submissions do not count toward it. Last evaluated 2017-06-29.

Conditions:
Hereditary cancer-predisposing syndrome. Also called: Hereditary Cancer Syndrome; Hereditary neoplastic syndrome; Tumor predisposition; Neoplastic Syndromes, Hereditary. Identifiers: Orphanet 140162, MedGen C0027672, MeSH D009386, MONDO:0015356.
Hereditary breast ovarian cancer syndrome. Also called: Hereditary breast and ovarian cancer syndrome; Hereditary breast and ovarian cancer syndrome (HBOC); BRCA1- and BRCA2-Associated Hereditary Breast and Ovarian Cancer; Breast and ovarian cancer; Hereditary breast and ovarian cancer; Hereditary breast and/or ovarian cancer syndrome. Identifiers: Orphanet 145, MedGen C0677776, MeSH D061325, MONDO:0003582. Disease mechanism: loss of function.
Breast-ovarian cancer, familial, susceptibility to, 1 (BROVCA1). Also called: OVARIAN CANCER, SUSCEPTIBILITY TO; BRCA1 Hereditary Breast and Ovarian Cancer. Identifiers: Orphanet 145, MedGen C2676676, MONDO:0011450, OMIM 604370. Disease mechanism: loss of function.
BRCA1-related cancer predisposition. Identifiers: MedGen CN377757, MONDO:0700268.
BRCA1-related disorder. Also called: BRCA1-related condition.

Allele frequency attached by ClinVar (database versions not stated): gnomAD exomes below 0.00001; gnomAD 0.00001; TOPMed 0.00003.
gnomAD v4.1: 3 of 1,613,908 alleles (0.00019%); highest among the groups gnomAD compares: African/African-American, 0.0027%; no homozygotes.

Submissions (9):

Evidence-based Network for the Interpretation of Germline Mutant Alleles (ENIGMA)
Classification: Likely benign for Breast-ovarian cancer, familial, susceptibility to, 1. Last evaluated: 2017-06-29. Review status: reviewed by expert panel. Criteria: ENIGMA BRCA1/2 Classification Criteria (2017-06-29). Collection method: curation. Allele origin: germline.
Comment: Synonymous substitution variant, with low bioinformatic likelihood to result in a splicing aberration (Splicing prior probability 0.02).

Labcorp Genetics (formerly Invitae), Labcorp
Classification: Likely benign for Hereditary breast ovarian cancer syndrome. Last evaluated: 2026-01-06. Review status: criteria provided, single submitter. Criteria: Invitae Variant Classification Sherloc (09022015). Collection method: clinical testing. Allele origin: germline. Not counted in ClinVar's aggregate classification.

All of Us Research Program, National Institutes of Health
Classification: Likely benign for BRCA1-related cancer predisposition. Last evaluated: 2024-05-14. Review status: criteria provided, single submitter. Criteria: ACMG Guidelines, 2015. Collection method: clinical testing. Allele origin: germline. Inheritance: Autosomal dominant inheritance. Observed: 2 variant alleles, 2 heterozygotes. Not counted in ClinVar's aggregate classification.
Comment: This study involves interpretation of variants in research participants for the purpose of population health screening. Participant phenotype was not available at the time of variant classification. Additional details can be found in publication PMID: 35346344, PMCID: PMC8962531

Color Diagnostics, LLC DBA Color Health
Classification: Likely benign for Hereditary cancer-predisposing syndrome. Last evaluated: 2022-04-19. Review status: criteria provided, single submitter. Criteria: ACMG Guidelines, 2015. Collection method: clinical testing. Allele origin: germline. Not counted in ClinVar's aggregate classification.

Sema4
Classification: Likely benign for Hereditary cancer-predisposing syndrome. Last evaluated: 2022-01-09. Review status: criteria provided, single submitter. Criteria: Sema4 Curation Guidelines. Collection method: curation. Allele origin: germline. Not counted in ClinVar's aggregate classification.

GeneDx
Classification: Likely benign. Last evaluated: 2020-11-27. Review status: criteria provided, single submitter. Criteria: GeneDx Variant Classification Process June 2021. Collection method: clinical testing. Allele origin: germline. Affected: yes. Not counted in ClinVar's aggregate classification.

Women's Health and Genetics/Laboratory Corporation of America, LabCorp
Classification: Likely benign. Last evaluated: 2020-08-07. Review status: criteria provided, single submitter. Criteria: LabCorp Variant Classification Summary - May 2015. Collection method: clinical testing. Allele origin: germline. Not counted in ClinVar's aggregate classification.

Ambry Genetics
Classification: Likely benign for Hereditary cancer-predisposing syndrome. Last evaluated: 2016-02-22. Review status: criteria provided, single submitter. Criteria: Ambry Variant Classification Scheme 2023. Collection method: clinical testing. Allele origin: germline. Not counted in ClinVar's aggregate classification.

PreventionGenetics, part of Exact Sciences
Classification: Likely benign for BRCA1-related condition. Last evaluated: 2022-07-27. Review status: no assertion criteria provided. Collection method: clinical testing. Allele origin: germline. Not counted in ClinVar's aggregate classification.
Comment: This variant is classified as likely benign based on ACMG/AMP sequence variant interpretation guidelines (Richards et al. 2015 PMID: 25741868, with internal and published modifications).